The following is an entry in ClinVar:

NM_203446.3(SYNJ1):c.2777G>A (p.Gly926Asp)

Gene: SYNJ1 (synaptojanin 1; minus strand). Cytogenetic location: 21q22.11.
Variant type: single nucleotide variant.
Coding change: c.2777G>A on transcript NM_203446.3 (MANE Select); coding-DNA position 2777, G replaced by A.
Protein change: p.Gly926Asp; replaces glycine 926 with aspartic acid.
Molecular consequence: missense variant.
Genome position (GRCh38, 1-based): chr21:32,656,705, C>T on the plus strand (G>A on the coding strand, the complement: SYNJ1 is on the minus strand). VCF-style: chr21-32656705-C-T. GRCh37 (hg19) VCF-style: chr21-34029015-C-T.
Other names: c.2777G>A, p.Gly926Asp (NM_001160302.2); c.2762G>A, p.Gly921Asp (NM_001160306.2); c.2894G>A, p.Gly965Asp (NM_003895.4); short protein forms G921D, G965D, G926D.
Identifiers: ClinVar variation 1346917 (VCV001346917.8), dbSNP rs2145850761, ClinGen allele CA410073184.

ClinVar aggregate classification (germline): Uncertain significance (1 of 4 stars; one submission).

Conditions:
Early-onset Parkinson disease 20. Also called: PARKINSON DISEASE 20, AUTOSOMAL RECESSIVE EARLY-ONSET. Identifiers: Orphanet 391411, MedGen C3809824, MONDO:0014233, OMIM 615530.
Developmental and epileptic encephalopathy, 53. Also called: Epileptic encephalopathy, early infantile, 53. Identifiers: MedGen C4479313, MONDO:0033362, OMIM 617389.

Allele frequency attached by ClinVar (database versions not stated): gnomAD exomes 0.00001.
gnomAD v4.1: 5 of 1,613,376 alleles (0.00031%); highest among the groups gnomAD compares: Non-Finnish European, 0.00042%; no homozygotes.

Submission:

Labcorp Genetics (formerly Invitae), Labcorp
Classification: Uncertain significance for Developmental and epileptic encephalopathy, 53; Early-onset Parkinson disease 20. Last evaluated: 2022-02-05. Review status: criteria provided, single submitter. Criteria: Invitae Variant Classification Sherloc (09022015). Collection method: clinical testing. Allele origin: germline.
Comment: This variant has not been reported in the literature in individuals affected with SYNJ1-related conditions. In summary, the available evidence is currently insufficient to determine the role of this variant in disease. Therefore, it has been classified as a Variant of Uncertain Significance. Algorithms developed to predict the effect of missense changes on protein structure and function are either unavailable or do not agree on the potential impact of this missense change (SIFT: "Tolerated"; PolyPhen-2: "Probably Damaging"; Align-GVGD: "Class C0"). This variant is not present in population databases (gnomAD no frequency). This sequence change replaces glycine, which is neutral and non-polar, with aspartic acid, which is acidic and polar, at codon 965 of the SYNJ1 protein (p.Gly965Asp).